The following is an entry in ClinVar:

NM_014112.5(TRPS1):c.537dup (p.Ala180fs)

Gene: TRPS1 (transcriptional repressor GATA binding 1; minus strand). Cytogenetic location: 8q23.3.
Variant type: Duplication.
Coding change: c.537dup on transcript NM_014112.5 (MANE Select); coding-DNA position 537, one base duplicated (A; older notation c.537dupA).
Protein change: p.Ala180fs; shifts the reading frame from alanine 180.
Molecular consequence: frameshift variant.
Genome position (GRCh38, 1-based): chr8:115,619,561, T duplicated on the plus strand (A on the coding strand, the reverse complement: TRPS1 is on the minus strand); the first of 2 consecutive T bases (chr8:115,619,561-115,619,562); duplicating either gives the same sequence. VCF-style (leftmost placement, unchanged base first): chr8-115619560-C-CT. GRCh37 (hg19) VCF-style: chr8-116631787-C-CT.
Other names: c.510dup, p.Ala171fs (NM_001282902.3); c.516dup, p.Ala173fs (NM_001282903.3); c.498dup, p.Ala167fs (NM_001330599.2); short protein forms A167fs, A171fs, A173fs, A180fs.
Identifiers: ClinVar variation 3389722 (VCV003389722.14).

ClinVar aggregate classification (germline): Pathogenic (1 of 4 stars; one submission).

Submission:

CeGaT Center for Human Genetics Tuebingen
Classification: Pathogenic. Last evaluated: 2024-09-01. Review status: criteria provided, single submitter. Criteria: CeGaT Center For Human Genetics Tuebingen Variant Classification Criteria Version 2. Collection method: clinical testing. Allele origin: germline. Affected: yes. Observed: 1 variant allele.
Comment: TRPS1: PVS1, PM2, PP4